The following is an entry in ClinVar:

NM_006031.6(PCNT):c.628_639dup (p.Lys213_Glu214insMetPheThrLys)

Gene: PCNT (pericentrin; plus strand). Cytogenetic location: 21q22.3.
Variant type: Duplication.
Coding change: c.628_639dup on transcript NM_006031.6 (MANE Select); coding-DNA positions 628 to 639, 12 bases duplicated (ATGTTCACAAAG).
Protein change: p.Lys213_Glu214insMetPheThrLys.
Molecular consequence: inframe insertion.
Genome position (GRCh38, 1-based): chr21:46,334,757-46,334,768, ATGTTCACAAAG duplicated; duplicating any 12 consecutive bases within chr21:46,334,756-46,334,768 gives the same sequence; the c. name uses the placement nearest the transcript's 3' end. VCF-style (leftmost placement, unchanged base first): chr21-46334755-G-GGATGTTCACAAA. GRCh37 (hg19) VCF-style: chr21-47754669-G-GGATGTTCACAAA.
Other names: c.274_285dup, p.Lys95_Glu96insMetPheThrLys (NM_001315529.2).
Identifiers: ClinVar variation 5001389 (VCV005001389.1).

ClinVar aggregate classification (germline): Uncertain significance (1 of 4 stars; one submission).

Conditions:
PCNT-related disorder. Also called: PCNT-related condition.

Submission:

PreventionGenetics, part of Exact Sciences
Classification: Uncertain significance for PCNT-related condition. Last evaluated: 2025-02-27. Review status: criteria provided, single submitter. Criteria: ACMG Guidelines, 2015. Collection method: clinical testing. Allele origin: germline.
Comment: The PCNT c.628_639dup12 variant is predicted to result in an in-frame duplication (p.Met210_Lys213dup). To our knowledge, this variant has not been reported in the literature. This variant is reported in 0.0029% of alleles in individuals of Latino descent in gnomAD. At this time, the clinical significance of this variant is uncertain due to the absence of conclusive functional and genetic evidence.